The following is an entry in ClinVar:

ClinVar aggregate classification (germline): Uncertain significance. Review status: criteria provided, multiple submitters, no conflicts (2 of 4 stars). 2 submissions from 2 submitters: Uncertain significance (2). Last evaluated 2024-07-21.

gnomAD v4.1: 86 of 1,611,258 alleles (0.0053%); highest among the groups gnomAD compares: Middle Eastern, 0.099%; no homozygotes.

Submissions (2):

GeneDx
Classification: Uncertain significance. Last evaluated: 2024-07-21. Review status: criteria provided, single submitter. Criteria: GeneDx Variant Classification Process June 2021. Collection method: clinical testing. Allele origin: germline. Affected: yes.
Comment: In silico analysis indicates that this missense variant does not alter protein structure/function; Has not been previously published as pathogenic or benign to our knowledge

Blueprint Genetics
Classification: Uncertain significance. Last evaluated: 2023-09-19. Review status: criteria provided, single submitter. Criteria: ACMG Guidelines, 2015. Collection method: clinical testing. Allele origin: germline.

NM_017721.5(CC2D1A):c.2601G>T (p.Gln867His)

Gene: CC2D1A (coiled-coil and C2 domain containing 1A; plus strand). Cytogenetic location: 19p13.12.
Variant type: single nucleotide variant.
Coding change: c.2601G>T on transcript NM_017721.5 (MANE Select); coding-DNA position 2601, G replaced by T.
Protein change: p.Gln867His; replaces glutamine 867 with histidine.
Molecular consequence: missense variant.
Genome position (GRCh38, 1-based): chr19:13,929,551, G>T. VCF-style: chr19-13929551-G-T. GRCh37 (hg19) VCF-style: chr19-14040364-G-T.
Other names: c.2598G>T, p.Gln866His (NM_001411138.1); short protein forms Q866H, Q867H.
Identifiers: ClinVar variation 3600725 (VCV003600725.2).